The following is an entry in ClinVar:

NM_001031689.3(PLAA):c.2326T>A (p.Ser776Thr)

Gene: PLAA (phospholipase A2 activating protein; minus strand). Cytogenetic location: 9p21.2.
Variant type: single nucleotide variant.
Coding change: c.2326T>A on transcript NM_001031689.3 (MANE Select); coding-DNA position 2326, T replaced by A.
Protein change: p.Ser776Thr; replaces serine 776 with threonine.
Molecular consequence: missense variant.
Genome position (GRCh38, 1-based): chr9:26,905,573, A>T on the plus strand (T>A on the coding strand, the complement: PLAA is on the minus strand). VCF-style: chr9-26905573-A-T. GRCh37 (hg19) VCF-style: chr9-26905571-A-T.
Other names: c.2257T>A, p.Ser753Thr (NM_001321546.2); c.2326T>A (NM_001031689.2); short protein forms S776T, S753T.
Identifiers: ClinVar variation 1952741 (VCV001952741.6), dbSNP rs752278393, ClinGen allele CA5014145.

ClinVar aggregate classification (germline): Uncertain significance. Review status: criteria provided, multiple submitters, no conflicts (2 of 4 stars). 2 submissions from 2 submitters: Uncertain significance (2). Last evaluated 2025-03-31.

Conditions:
Inborn genetic diseases. Identifiers: MedGen C0950123, MeSH D030342.

Allele frequency attached by ClinVar (database versions not stated): TOPMed below 0.00001; ExAC 0.00001; gnomAD exomes 0.00001.
gnomAD v4.1: 16 of 1,614,036 alleles (0.00099%); highest among the groups gnomAD compares: Admixed American, 0.0017%; no homozygotes.

Submissions (2):

Ambry Genetics
Classification: Uncertain significance for Inborn genetic diseases. Last evaluated: 2025-03-31. Review status: criteria provided, single submitter. Criteria: Ambry Variant Classification Scheme 2023. Collection method: clinical testing. Allele origin: germline.

Labcorp Genetics (formerly Invitae), Labcorp
Classification: Uncertain significance. Last evaluated: 2022-05-25. Review status: criteria provided, single submitter. Criteria: Invitae Variant Classification Sherloc (09022015). Collection method: clinical testing. Allele origin: germline.
Comment: In summary, the available evidence is currently insufficient to determine the role of this variant in disease. Therefore, it has been classified as a Variant of Uncertain Significance. Algorithms developed to predict the effect of missense changes on protein structure and function (SIFT, PolyPhen-2, Align-GVGD) all suggest that this variant is likely to be tolerated. This variant has not been reported in the literature in individuals affected with PLAA-related conditions. This variant is present in population databases (rs752278393, gnomAD 0.002%). This sequence change replaces serine, which is neutral and polar, with threonine, which is neutral and polar, at codon 776 of the PLAA protein (p.Ser776Thr).